The following is an entry in ClinVar:

NM_016222.4(DDX41):c.1527G>A (p.Met509Ile)

Gene: DDX41 (DEAD-box helicase 41; minus strand). Cytogenetic location: 5q35.3.
Variant type: single nucleotide variant.
Coding change: c.1527G>A on transcript NM_016222.4 (MANE Select); coding-DNA position 1527, G replaced by A.
Protein change: p.Met509Ile; replaces methionine 509 with isoleucine.
Molecular consequence: missense variant.
Genome position (GRCh38, 1-based): chr5:177,512,518, C>T on the plus strand (G>A on the coding strand, the complement: DDX41 is on the minus strand). VCF-style: chr5-177512518-C-T. GRCh37 (hg19) VCF-style: chr5-176939519-C-T.
Other names: c.1149G>A, p.Met383Ile (NM_001321732.2, NM_001321830.2); short protein forms M509I, M383I.
Identifiers: ClinVar variation 4617115 (VCV004617115.1).

ClinVar aggregate classification (germline): Uncertain significance (1 of 4 stars; one submission).

Conditions:
Inborn genetic diseases. Identifiers: MedGen C0950123, MeSH D030342.

Submission:

Ambry Genetics
Classification: Uncertain significance for Inborn genetic diseases. Last evaluated: 2025-10-22. Review status: criteria provided, single submitter. Criteria: Ambry Variant Classification Scheme 2023. Collection method: clinical testing. Allele origin: germline.
Comment: The p.M509I variant (also known as c.1527G>A), located in coding exon 14 of the DDX41 gene, results from a G to A substitution at nucleotide position 1527. The methionine at codon 509 is replaced by isoleucine, an amino acid with highly similar properties. This amino acid position is highly conserved in available vertebrate species. In addition, the in silico prediction for this alteration is inconclusive. Based on the available evidence, the clinical significance of this variant remains unclear.